The following is an entry in ClinVar:

NM_032977.4(CASP10):c.824T>C (p.Val275Ala)

Gene: CASP10 (caspase 10; plus strand). Cytogenetic location: 2q33.1.
Variant type: single nucleotide variant.
Coding change: c.824T>C on transcript NM_032977.4 (MANE Select); coding-DNA position 824, T replaced by C.
Protein change: p.Val275Ala; replaces valine 275 with alanine.
Molecular consequence: missense variant. On other transcripts: synonymous variant (1), intron variant (1).
Genome position (GRCh38, 1-based): chr2:201,208,085, T>C. VCF-style: chr2-201208085-T-C. GRCh37 (hg19) VCF-style: chr2-202072808-T-C.
Other names: c.695T>C, p.Val232Ala (NM_001206542.2, NM_001230.5); c.824T>C, p.Val275Ala (NM_032974.5); c.732T>C, p.Cys244= (NM_032976.4); c.722-985T>C (NM_001206524.2); short protein forms V232A, V275A.
Identifiers: ClinVar variation 3344894 (VCV003344894.1).

ClinVar aggregate classification (germline): Uncertain significance (0 of 4 stars; one submission).

Conditions:
CASP10-related disorder. Also called: CASP10-related condition.

gnomAD v4.1: 1 of 1,612,924 alleles (0.000062%); highest among the groups gnomAD compares: African/African-American, 0.0013%; no homozygotes.

Submission:

PreventionGenetics, part of Exact Sciences
Classification: Uncertain significance for CASP10-related condition. Last evaluated: 2024-08-23. Review status: no assertion criteria provided. Collection method: clinical testing. Allele origin: germline.
Comment: The CASP10 c.824T>C variant is predicted to result in the amino acid substitution p.Val275Ala. To our knowledge, this variant has not been reported in the literature or in a large population database, indicating this variant is rare. At this time, the clinical significance of this variant is uncertain due to the absence of conclusive functional and genetic evidence.